The following is an entry in ClinVar:

ClinVar aggregate classification (germline): Pathogenic (1 of 4 stars; one submission).

Conditions:
Nemaline myopathy 2 (NEM2). Also called: Nemaline myopathy 2, autosomal recessive. Identifiers: MedGen C1850569, MONDO:0009725, OMIM 256030.

Submission:

Labcorp Genetics (formerly Invitae), Labcorp
Classification: Pathogenic for Nemaline myopathy 2. Last evaluated: 2023-06-23. Review status: criteria provided, single submitter. Criteria: Invitae Variant Classification Sherloc (09022015). Collection method: clinical testing. Allele origin: germline.
Comment: For these reasons, this variant has been classified as Pathogenic. This variant has not been reported in the literature in individuals affected with NEB-related conditions. This variant is not present in population databases (gnomAD no frequency). This sequence change creates a premature translational stop signal (p.Ala5953Leufs*4) in the NEB gene. It is expected to result in an absent or disrupted protein product. Loss-of-function variants in NEB are known to be pathogenic (PMID: 25205138).

Literature cited by the submitters: PubMed 25205138.

NM_001164508.2(NEB):c.17856del (p.Ala5953fs)

Gene: NEB (nebulin; minus strand). Cytogenetic location: 2q23.3.
Variant type: Deletion.
Coding change: c.17856del on transcript NM_001164508.2 (MANE Select); coding-DNA position 17856, one base deleted (A; older notation c.17856delA).
Protein change: p.Ala5953fs; shifts the reading frame from alanine 5953.
Molecular consequence: frameshift variant.
Genome position (GRCh38, 1-based): chr2:151,567,468, T deleted on the plus strand (A on the coding strand, the reverse complement: NEB is on the minus strand); the first of 3 consecutive T bases (chr2:151,567,468-151,567,470); deleting any one gives the same sequence. VCF-style (leftmost placement, unchanged base first): chr2-151567467-CT-C. GRCh37 (hg19) VCF-style: chr2-152423981-CT-C.
Other names: c.17856del, p.Ala5953fs (NM_001164507.2, NM_001271208.2); c.12753del, p.Ala4252fs (NM_004543.5); short protein forms A5953fs, A4252fs.
Identifiers: ClinVar variation 2720368 (VCV002720368.3), dbSNP rs2552193822, ClinGen allele CA2697551166.